The following is an entry in ClinVar:

NM_015570.4(AUTS2):c.3682G>A (p.Gly1228Arg)

Gene: AUTS2 (activator of transcription and developmental regulator AUTS2; plus strand). Cytogenetic location: 7q11.22.
Variant type: single nucleotide variant.
Coding change: c.3682G>A on transcript NM_015570.4 (MANE Select); coding-DNA position 3682, G replaced by A.
Protein change: p.Gly1228Arg; replaces glycine 1228 with arginine.
Molecular consequence: missense variant.
Genome position (GRCh38, 1-based): chr7:70,790,898, G>A. VCF-style: chr7-70790898-G-A. GRCh37 (hg19) VCF-style: chr7-70255884-G-A.
Other names: c.3610G>A, p.Gly1204Arg (NM_001127231.3); short protein forms G1204R, G1228R.
Identifiers: ClinVar variation 2503192 (VCV002503192.1), dbSNP rs1791906412, ClinGen allele CA367666701.

ClinVar aggregate classification (germline): Uncertain significance (1 of 4 stars; one submission).

Allele frequency attached by ClinVar (database versions not stated): gnomAD exomes below 0.00001; TOPMed below 0.00001.
gnomAD v4.1: 1 of 1,594,392 alleles (0.000063%); highest among the groups gnomAD compares: Non-Finnish European, 0.000085%; no homozygotes.

Submission:

GeneDx
Classification: Uncertain significance. Last evaluated: 2022-11-29. Review status: criteria provided, single submitter. Criteria: GeneDx Variant Classification Process June 2021. Collection method: clinical testing. Allele origin: germline. Affected: yes.
Comment: Not observed at significant frequency in large population cohorts (gnomAD); In silico analysis supports that this missense variant has a deleterious effect on protein structure/function; Has not been previously published as pathogenic or benign to our knowledge